The following is an entry in ClinVar:

NM_002519.3(NPAT):c.2553G>T (p.Gln851His)

Gene: NPAT (nuclear protein, coactivator of histone transcription; minus strand). Cytogenetic location: 11q22.3.
Variant type: single nucleotide variant.
Coding change: c.2553G>T on transcript NM_002519.3 (MANE Select); coding-DNA position 2553, G replaced by T.
Protein change: p.Gln851His; replaces glutamine 851 with histidine.
Molecular consequence: missense variant.
Genome position (GRCh38, 1-based): chr11:108,172,431, C>A on the plus strand (G>T on the coding strand, the complement: NPAT is on the minus strand). VCF-style: chr11-108172431-C-A. GRCh37 (hg19) VCF-style: chr11-108043158-C-A.
Other names: c.2553G>T, p.Gln851His (NM_001321307.1); short protein forms Q851H.
Identifiers: ClinVar variation 1792986 (VCV001792986.3), dbSNP rs201797744, ClinGen allele CA382512731.

ClinVar aggregate classification (germline): Uncertain significance (1 of 4 stars; one submission).

Submission:

Ambry Genetics
Classification: Uncertain significance. Last evaluated: 2024-05-11. Review status: criteria provided, single submitter. Criteria: Ambry Variant Classification Scheme 2023. Collection method: clinical testing. Allele origin: germline.
Comment: The p.Q851H variant (also known as c.2553G>T), located in coding exon 13 of the NPAT gene, results from a G to T substitution at nucleotide position 2553. The glutamine at codon 851 is replaced by histidine, an amino acid with highly similar properties. This amino acid position is conserved. In addition, the in silico prediction for this alteration is inconclusive. Since supporting evidence is limited at this time, the clinical significance of this alteration remains unclear.